The following is an entry in ClinVar:

ClinVar aggregate classification (germline): Uncertain significance (1 of 4 stars; one submission).

Conditions:
Joubert syndrome 8 (JBTS8). Identifiers: Orphanet 475, MedGen C2676771, MONDO:0012855, OMIM 612291.

Allele frequency attached by ClinVar (database versions not stated): ExAC 0.00001; gnomAD exomes 0.00001.
gnomAD v4.1: 10 of 1,609,700 alleles (0.00062%); highest among the groups gnomAD compares: South Asian, 0.0056%; no homozygotes.

Submission:

Labcorp Genetics (formerly Invitae), Labcorp
Classification: Uncertain significance for Joubert syndrome 8. Last evaluated: 2022-07-17. Review status: criteria provided, single submitter. Criteria: Invitae Variant Classification Sherloc (09022015). Collection method: clinical testing. Allele origin: germline.
Comment: This variant is present in population databases (rs749623874, gnomAD 0.0009%). This sequence change replaces lysine, which is basic and polar, with glutamic acid, which is acidic and polar, at codon 275 of the ARL13B protein (p.Lys275Glu). This variant has not been reported in the literature in individuals affected with ARL13B-related conditions. In summary, the available evidence is currently insufficient to determine the role of this variant in disease. Therefore, it has been classified as a Variant of Uncertain Significance. Algorithms developed to predict the effect of missense changes on protein structure and function are either unavailable or do not agree on the potential impact of this missense change (SIFT: "Deleterious"; PolyPhen-2: "Benign"; Align-GVGD: "Class C0").

NM_001174150.2(ARL13B):c.823A>G (p.Lys275Glu)

Gene: ARL13B (ARF like GTPase 13B; plus strand). Cytogenetic location: 3q11.2.
Variant type: single nucleotide variant.
Coding change: c.823A>G on transcript NM_001174150.2 (MANE Select); coding-DNA position 823, A replaced by G.
Protein change: p.Lys275Glu; replaces lysine 275 with glutamic acid.
Molecular consequence: missense variant. On other transcripts: non-coding transcript variant (2).
Genome position (GRCh38, 1-based): chr3:94,043,039, A>G. VCF-style: chr3-94043039-A-G. GRCh37 (hg19) VCF-style: chr3-93761883-A-G.
Other names: c.514A>G, p.Lys172Glu (NM_001174151.2); c.778A>G, p.Lys260Glu (NM_001321328.2); c.823A>G, p.Lys275Glu (NM_001410782.1, NM_182896.3); c.502A>G, p.Lys168Glu (NM_144996.4); short protein forms K168E, K275E, K172E, K260E.
Identifiers: ClinVar variation 1972598 (VCV001972598.3), dbSNP rs749623874, ClinGen allele CA2504192.